The following is an entry in ClinVar:

ClinVar aggregate classification (germline): Likely benign (1 of 4 stars; one submission).

Submission:

CeGaT Center for Human Genetics Tuebingen
Classification: Likely benign. Last evaluated: 2026-07-01. Review status: criteria provided, single submitter. Criteria: CeGaT Center For Human Genetics Tuebingen Variant Classification Criteria Version 2. Collection method: clinical testing. Allele origin: germline. Affected: yes. Observed: 1 variant allele.
Comment: COL6A3: PM2:Supporting, BP4, BP7

NM_004369.4(COL6A3):c.2841G>T (p.Leu947=)

Gene: COL6A3 (collagen type VI alpha 3 chain; minus strand). Cytogenetic location: 2q37.3.
Variant type: single nucleotide variant.
Coding change: c.2841G>T on transcript NM_004369.4 (MANE Select); coding-DNA position 2841, G replaced by T.
Protein change: p.Leu947=; no amino-acid change (leucine 947 retained).
Molecular consequence: synonymous variant.
Genome position (GRCh38, 1-based): chr2:237,377,001, C>A on the plus strand (G>T on the coding strand, the complement: COL6A3 is on the minus strand). VCF-style: chr2-237377001-C-A. GRCh37 (hg19) VCF-style: chr2-238285644-C-A.
Other names: c.1620G>T, p.Leu540= (NM_057164.5); c.2223G>T, p.Leu741= (NM_057165.5, NM_057167.4); c.1020G>T, p.Leu340= (NM_057166.5).
Identifiers: ClinVar variation 5038868 (VCV005038868.1).
Genomic context (GRCh38, chr2:237,377,001, plus strand): 5'-CCCACTCTGCTTCAGGTTACTTGCTGGCCCATCCACACGGTCAGATGACCTTCCTGCGAC[C>A]AGCAGCACCAGGAACTGAAGCACTCCATCCTCGATCCGGCTGCCAGCAGACTTCACAAAA-3'
Protein context (NP_004360.2, residues 937-957): EDGVLQFLVL[Leu947=]VAGRSSDRVD